The following is an entry in ClinVar:

ClinVar aggregate classification (germline): Uncertain significance (1 of 4 stars; one submission).

gnomAD v4.1: 1 of 1,612,482 alleles (0.000062%); highest among the groups gnomAD compares: South Asian, 0.0011%; no homozygotes.

Submission:

Ambry Genetics
Classification: Uncertain significance. Last evaluated: 2026-02-21. Review status: criteria provided, single submitter. Criteria: Ambry Variant Classification Scheme 2023. Collection method: clinical testing. Allele origin: germline.
Comment: The p.A808T variant (also known as c.2422G>A), located in coding exon 11 of the WNK2 gene, results from a G to A substitution at nucleotide position 2422. The alanine at codon 808 is replaced by threonine, an amino acid with similar properties. This amino acid position is conserved. In addition, this alteration is predicted to be tolerated by in silico analysis. Based on the available evidence, the clinical significance of this variant remains unclear.

NM_006648.4(WNK2):c.2422G>A (p.Ala808Thr)

Gene: WNK2 (WNK lysine deficient protein kinase 2; plus strand). Cytogenetic location: 9q22.31.
Variant type: single nucleotide variant.
Coding change: c.2422G>A on transcript NM_006648.4 (MANE Select); coding-DNA position 2422, G replaced by A.
Protein change: p.Ala808Thr; replaces alanine 808 with threonine.
Molecular consequence: missense variant.
Genome position (GRCh38, 1-based): chr9:93,258,970, G>A. VCF-style: chr9-93258970-G-A. GRCh37 (hg19) VCF-style: chr9-96021252-G-A.
Other names: c.2422G>A, p.Ala808Thr (NM_001282394.3); short protein forms A808T.
Identifiers: ClinVar variation 4844919 (VCV004844919.1).